The following is an entry in ClinVar:

ClinVar aggregate classification (germline): Uncertain significance. Review status: criteria provided, multiple submitters, no conflicts (2 of 4 stars). 2 submissions from 2 submitters: Uncertain significance (2). Last evaluated 2023-10-20.

Conditions:
Autosomal recessive limb-girdle muscular dystrophy type 2O. Also called: Limb-Girdle Muscular Dystrophy Type 3C; MUSCULAR DYSTROPHY-DYSTROGLYCANOPATHY (LIMB-GIRDLE), TYPE C, 3; MUSCULAR DYSTROPHY-DYSTROGLYCANOPATHY, LIMB-GIRDLE, POMGNT1-RELATED. Identifiers: Orphanet 206564, MedGen C3150417, MONDO:0013161, OMIM 613157.
Muscular dystrophy-dystroglycanopathy (congenital with impaired intellectual development), type B, 3. Also called: MUSCULAR DYSTROPHY, CONGENITAL, POMGNT1-RELATED; Muscular dystrophy-dystroglycanopathy (congenital with intellectual disability), type B3. Identifiers: MedGen C3150412, MONDO:0013155, OMIM 613151.

Allele frequency attached by ClinVar (database versions not stated): TOPMed 0.00001.

Submissions (2):

Revvity Omics, Revvity
Classification: Uncertain significance. Last evaluated: 2023-10-20. Review status: criteria provided, single submitter. Criteria: ACMG Guidelines, 2015. Collection method: clinical testing. Allele origin: germline.

Labcorp Genetics (formerly Invitae), Labcorp
Classification: Uncertain significance for Autosomal recessive limb-girdle muscular dystrophy type 2O; Muscular dystrophy-dystroglycanopathy (congenital with impaired intellectual development), type B, 3. Last evaluated: 2022-08-06. Review status: criteria provided, single submitter. Criteria: Invitae Variant Classification Sherloc (09022015). Collection method: clinical testing. Allele origin: germline.
Comment: This sequence change replaces histidine, which is basic and polar, with tyrosine, which is neutral and polar, at codon 546 of the POMGNT1 protein (p.His546Tyr). This variant is not present in population databases (gnomAD no frequency). This variant has not been reported in the literature in individuals affected with POMGNT1-related conditions. ClinVar contains an entry for this variant (Variation ID: 1407199). Advanced modeling of protein sequence and biophysical properties (such as structural, functional, and spatial information, amino acid conservation, physicochemical variation, residue mobility, and thermodynamic stability) performed at Invitae indicates that this missense variant is not expected to disrupt POMGNT1 protein function. In summary, the available evidence is currently insufficient to determine the role of this variant in disease. Therefore, it has been classified as a Variant of Uncertain Significance.

NM_017739.4(POMGNT1):c.1636C>T (p.His546Tyr)

Genes: POMGNT1 (protein O-linked mannose N-acetylglucosaminyltransferase 1 (beta 1,2-); minus strand), TSPAN1 (tetraspanin 1; plus strand). Cytogenetic location: 1p34.1.
Variant type: single nucleotide variant.
Coding change: c.1636C>T on transcript NM_017739.4 (MANE Select); coding-DNA position 1636, C replaced by T.
Protein change: p.His546Tyr; replaces histidine 546 with tyrosine.
Molecular consequence: missense variant.
Genome position (GRCh38, 1-based): chr1:46,190,486, G>A on the plus strand (C>T on the coding strand, the complement: POMGNT1 is on the minus strand). VCF-style: chr1-46190486-G-A. GRCh37 (hg19) VCF-style: chr1-46656158-G-A.
Other names: c.1636C>T, p.His546Tyr (NM_001243766.2, NM_001410783.1); c.1570C>T, p.His524Tyr (NM_001290129.3); c.1207C>T, p.His403Tyr (NM_001290130.2); c.1636C>T (NM_017739.3); short protein forms H524Y, H546Y, H403Y.
Identifiers: ClinVar variation 1407199 (VCV001407199.4), dbSNP rs970460430, ClinGen allele CA21911028.